The following is an entry in ClinVar:

ClinVar aggregate classification (germline): Conflicting classifications of pathogenicity. Review status: criteria provided, conflicting classifications (1 of 4 stars). 2 submissions from 2 submitters: Uncertain significance (1); Likely benign (1). Last evaluated 2023-06-29.

Conditions:
Inborn genetic diseases. Identifiers: MedGen C0950123, MeSH D030342.

Allele frequency attached by ClinVar (database versions not stated): gnomAD 0.00003 and 0.00004; TOPMed 0.00004.
gnomAD v4.1: 45 of 1,551,562 alleles (0.0029%); highest among the groups gnomAD compares: African/African-American, 0.0082%; no homozygotes.

Submissions (2):

Ambry Genetics
Classification: Likely benign for Inborn genetic diseases. Last evaluated: 2023-06-29. Review status: criteria provided, single submitter. Criteria: Ambry Variant Classification Scheme 2023. Collection method: clinical testing. Allele origin: germline.

Labcorp Genetics (formerly Invitae), Labcorp
Classification: Uncertain significance. Last evaluated: 2022-10-17. Review status: criteria provided, single submitter. Criteria: Invitae Variant Classification Sherloc (09022015). Collection method: clinical testing. Allele origin: germline.
Comment: Advanced modeling of protein sequence and biophysical properties (such as structural, functional, and spatial information, amino acid conservation, physicochemical variation, residue mobility, and thermodynamic stability) performed at Invitae indicates that this missense variant is not expected to disrupt TRAF3IP1 protein function. In summary, the available evidence is currently insufficient to determine the role of this variant in disease. Therefore, it has been classified as a Variant of Uncertain Significance. ClinVar contains an entry for this variant (Variation ID: 1396980). This variant has not been reported in the literature in individuals affected with TRAF3IP1-related conditions. This variant is present in population databases (no rsID available, gnomAD 0.001%). This sequence change replaces glycine, which is neutral and non-polar, with arginine, which is basic and polar, at codon 209 of the TRAF3IP1 protein (p.Gly209Arg).

NM_015650.4(TRAF3IP1):c.625G>A (p.Gly209Arg)

Gene: TRAF3IP1 (TRAF3 interacting protein 1; plus strand). Cytogenetic location: 2q37.3.
Variant type: single nucleotide variant.
Coding change: c.625G>A on transcript NM_015650.4 (MANE Select); coding-DNA position 625, G replaced by A.
Protein change: p.Gly209Arg; replaces glycine 209 with arginine.
Molecular consequence: missense variant.
Genome position (GRCh38, 1-based): chr2:238,329,052, G>A. VCF-style: chr2-238329052-G-A. GRCh37 (hg19) VCF-style: chr2-239237693-G-A.
Other names: c.625G>A, p.Gly209Arg (NM_001139490.1); c.625G>A (NM_015650.3); short protein forms G209R.
Identifiers: ClinVar variation 1396980 (VCV001396980.11), dbSNP rs985242912, ClinGen allele CA67980051.
Genomic context (GRCh38, chr2:238,329,052, plus strand): 5'-AAAGAAGACCGCAAGCCAAGAGAAAAGGACAAGGACAAGGAGAAGGCCAAGGAGAATGGC[G>A]GAAACAGACACAGAGAAGGGGAGAGAGAGAGAGCCAAAGCCCGGGCCAGGCCAGACAACG-3'
Protein context (NP_056465.2, residues 199-219): KDKEKAKENG[Gly209Arg]NRHREGERER